The following is an entry in ClinVar:

ClinVar aggregate classification (germline): Uncertain significance (1 of 4 stars; one submission).

Conditions:
EHMT1-related disorder. Also called: EHMT1-related condition.

Submission:

PreventionGenetics, part of Exact Sciences
Classification: Uncertain significance for EHMT1-related condition. Last evaluated: 2026-02-26. Review status: criteria provided, single submitter. Criteria: ACMG Guidelines, 2015. Collection method: clinical testing. Allele origin: germline.
Comment: The EHMT1 c.1337G>C variant is predicted to result in the amino acid substitution p.Arg446Pro. To our knowledge, this variant has not been reported in the literature or in a large population database (gnomAD), indicating this variant is rare. At this time, the clinical significance of this variant is uncertain due to the absence of conclusive functional and genetic evidence.

NM_024757.5(EHMT1):c.1337G>C (p.Arg446Pro)

Gene: EHMT1 (euchromatic histone lysine methyltransferase 1; plus strand). Cytogenetic location: 9q34.3.
Variant type: single nucleotide variant.
Coding change: c.1337G>C on transcript NM_024757.5 (MANE Select); coding-DNA position 1337, G replaced by C.
Protein change: p.Arg446Pro; replaces arginine 446 with proline.
Molecular consequence: missense variant.
Genome position (GRCh38, 1-based): chr9:137,754,259, G>C. VCF-style: chr9-137754259-G-C. GRCh37 (hg19) VCF-style: chr9-140648711-G-C.
Other names: c.1337G>C, p.Arg446Pro (NM_001145527.2, NM_001354611.2); c.1244G>C, p.Arg415Pro (NM_001354259.2, NM_001354612.2); c.1316G>C, p.Arg439Pro (NM_001354263.2); short protein forms R415P, R439P, R446P.
Identifiers: ClinVar variation 4993235 (VCV004993235.1).